The following is an entry in ClinVar:

ClinVar aggregate classification (germline): Pathogenic. Review status: criteria provided, multiple submitters, no conflicts (2 of 4 stars). 3 submissions from 3 submitters: Pathogenic (2). 1 of the submissions does not count toward it. Last evaluated 2024-01-07.

Conditions:
Methylmalonic aciduria, cblB type (MACB). Also called: Methylmalonic acidemia cblB type; Vitamin B12-responsive methylmalonic acidemia type cblB; METHYLMALONIC ACIDURIA, VITAMIN B12-RESPONSIVE, DUE TO DEFECT IN SYNTHESIS OF ADENOSYLCOBALAMIN, cblB TYPE. Identifiers: Orphanet 28, Orphanet 79311, MedGen C1855102, MONDO:0009614, OMIM 251110.

Allele frequency attached by ClinVar (database versions not stated): gnomAD exomes 0.00002.
gnomAD v4.1: 33 of 1,614,060 alleles (0.002%); highest among the groups gnomAD compares: Non-Finnish European, 0.0027%; no homozygotes.

Submissions (3):

Baylor Genetics
Classification: Pathogenic for Methylmalonic aciduria, cblB type. Last evaluated: 2024-01-07. Review status: criteria provided, single submitter. Criteria: ACMG Guidelines, 2015. Collection method: clinical testing. Allele origin: unknown.

Labcorp Genetics (formerly Invitae), Labcorp
Classification: Pathogenic for Methylmalonic aciduria, cblB type. Last evaluated: 2022-12-23. Review status: criteria provided, single submitter. Criteria: Invitae Variant Classification Sherloc (09022015). Collection method: clinical testing. Allele origin: germline.
Comment: For these reasons, this variant has been classified as Pathogenic. ClinVar contains an entry for this variant (Variation ID: 1068489). This premature translational stop signal has been observed in individual(s) with methylmalonic aciduria due to cobalamin B deficiency (PMID: 30041674). This variant is not present in population databases (gnomAD no frequency). This sequence change creates a premature translational stop signal (p.Glu74*) in the MMAB gene. It is expected to result in an absent or disrupted protein product. Loss-of-function variants in MMAB are known to be pathogenic (PMID: 15781192, 16410054).

Baumgartner lab, University Children's Hospital Zurich
Classification: Pathogenic for Methylmalonic aciduria, cblB type. Last evaluated: 2021-06-01. Review status: no assertion criteria provided. Collection method: clinical testing. Allele origin: germline. Affected: yes. Not counted in ClinVar's aggregate classification.

Literature cited by the submitters: PubMed 30041674 (cited by Labcorp Genetics (formerly Invitae), Labcorp); PubMed 15781192 (cited by Labcorp Genetics (formerly Invitae), Labcorp); PubMed 16410054 (cited by Labcorp Genetics (formerly Invitae), Labcorp); PubMed 34796408 (cited by Baumgartner lab, University Children's Hospital Zurich).

NM_052845.4(MMAB):c.220G>T (p.Glu74Ter)

Gene: MMAB (metabolism of cobalamin associated B; minus strand). Cytogenetic location: 12q24.11.
Variant type: single nucleotide variant.
Coding change: c.220G>T on transcript NM_052845.4 (MANE Select); coding-DNA position 220, G replaced by T.
Protein change: p.Glu74Ter; replaces glutamic acid 74 with a stop codon.
Molecular consequence: nonsense. On other transcripts: non-coding transcript variant (1).
Genome position (GRCh38, 1-based): chr12:109,568,840, C>A on the plus strand (G>T on the coding strand, the complement: MMAB is on the minus strand). VCF-style: chr12-109568840-C-A. GRCh37 (hg19) VCF-style: chr12-110006645-C-A.
Other names: short protein forms E74*.
Identifiers: ClinVar variation 1068489 (VCV001068489.10), dbSNP rs2136208377, ClinGen allele CA386639750.